The following is an entry in ClinVar:

ClinVar aggregate classification (germline): Uncertain significance (1 of 4 stars; one submission).

Conditions:
RASopathy. Also called: rasopathies; Noonan spectrum disorder. Identifiers: Orphanet 536391, MedGen C5555857, MONDO:0021060.

Submission:

Labcorp Genetics (formerly Invitae), Labcorp
Classification: Uncertain significance for RASopathy. Last evaluated: 2023-11-06. Review status: criteria provided, single submitter. Criteria: Invitae Variant Classification Sherloc (09022015). Collection method: clinical testing. Allele origin: germline.
Comment: This sequence change falls in intron 15 of the CBL gene. It does not directly change the encoded amino acid sequence of the CBL protein. It affects a nucleotide within the consensus splice site. This variant is not present in population databases (gnomAD no frequency). This variant has not been reported in the literature in individuals affected with CBL-related conditions. Variants that disrupt the consensus splice site are a relatively common cause of aberrant splicing (PMID: 17576681, 9536098). Algorithms developed to predict the effect of sequence changes on RNA splicing suggest that this variant may disrupt the consensus splice site. In summary, the available evidence is currently insufficient to determine the role of this variant in disease. Therefore, it has been classified as a Variant of Uncertain Significance.

Literature cited by the submitters: PubMed 17576681; PubMed 9536098.

NM_005188.4(CBL):c.2434+2T>A

Gene: CBL (Cbl proto-oncogene; plus strand). Cytogenetic location: 11q23.3.
Variant type: single nucleotide variant.
Coding change: c.2434+2T>A on transcript NM_005188.4 (MANE Select); the canonical splice donor site of the intron after coding-DNA position 2434, T replaced by A.
Molecular consequence: splice donor variant.
Genome position (GRCh38, 1-based): chr11:119,298,542, T>A. VCF-style: chr11-119298542-T-A. GRCh37 (hg19) VCF-style: chr11-119169252-T-A.
Identifiers: ClinVar variation 2693863 (VCV002693863.3), dbSNP rs2496974188, ClinGen allele CA382930599.